The following is an entry in ClinVar:

ClinVar aggregate classification (germline): Pathogenic (1 of 4 stars; one submission).

Conditions:
Neonatal-onset encephalopathy with rigidity and seizures. Also called: Lethal neonatal spasticity-epileptic encephalopathy syndrome. Identifiers: Orphanet 435845, MedGen C3281029, MONDO:0013784, OMIM 614498.

Submission:

Labcorp Genetics (formerly Invitae), Labcorp
Classification: Pathogenic for Neonatal-onset encephalopathy with rigidity and seizures. Last evaluated: 2023-10-23. Review status: criteria provided, single submitter. Criteria: Invitae Variant Classification Sherloc (09022015). Collection method: clinical testing. Allele origin: germline.
Comment: This sequence change creates a premature translational stop signal (p.Pro680Tyrfs*14) in the BRAT1 gene. While this is not anticipated to result in nonsense mediated decay, it is expected to disrupt the last 142 amino acid(s) of the BRAT1 protein. This variant is not present in population databases (gnomAD no frequency). This variant has not been reported in the literature in individuals affected with BRAT1-related conditions. This variant disrupts a region of the BRAT1 protein in which other variant(s) (p.Gly765Argfs*6) have been determined to be pathogenic (PMID: 32565546; Invitae). This suggests that this is a clinically significant region of the protein, and that variants that disrupt it are likely to be disease-causing. For these reasons, this variant has been classified as Pathogenic.

Literature cited by the submitters: PubMed 32565546.

NM_152743.4(BRAT1):c.2035_2036dup (p.Pro680fs)

Gene: BRAT1 (BRCA1 associated ATM activator 1; minus strand). Cytogenetic location: 7p22.3.
Variant type: Duplication.
Coding change: c.2035_2036dup on transcript NM_152743.4 (MANE Select); coding-DNA positions 2035 to 2036, 2 bases duplicated (CT; older notation c.2035_2036dupCT).
Protein change: p.Pro680fs; shifts the reading frame from proline 680.
Molecular consequence: frameshift variant. On other transcripts: non-coding transcript variant (1).
Genome position (GRCh38, 1-based): chr7:2,538,499-2,538,500, AG duplicated on the plus strand (CT on the coding strand, the reverse complement: BRAT1 is on the minus strand). VCF-style (leftmost placement, unchanged base first): chr7-2538498-T-TAG. GRCh37 (hg19) VCF-style: chr7-2578132-T-TAG.
Other names: c.2215_2216dup, p.Pro740fs (NM_001350626.2); c.1510_1511dup, p.Pro505fs (NM_001350627.2); short protein forms P505fs, P680fs, P740fs.
Identifiers: ClinVar variation 2844828 (VCV002844828.3), dbSNP rs2534286887, ClinGen allele CA2739266227.